The following is an entry in ClinVar:

NM_014946.4(SPAST):c.1537-10T>G

Gene: SPAST (spastin; plus strand). Cytogenetic location: 2p22.3.
Variant type: single nucleotide variant.
Coding change: c.1537-10T>G on transcript NM_014946.4 (MANE Select); 10 bases into the intron before coding-DNA position 1537, T replaced by G.
Molecular consequence: intron variant.
Genome position (GRCh38, 1-based): chr2:32,143,326, T>G. VCF-style: chr2-32143326-T-G. GRCh37 (hg19) VCF-style: chr2-32368395-T-G.
Other names: c.1441-10T>G (NM_199436.2, NM_001377959.1); c.1534-10T>G (NM_001363823.2); c.1438-10T>G (NM_001363875.2).
Identifiers: ClinVar variation 2859152 (VCV002859152.3), dbSNP rs2465902953, ClinGen allele CA2739274299.

ClinVar aggregate classification (germline): Uncertain significance (1 of 4 stars; one submission).

Conditions:
Hereditary spastic paraplegia 4. Also called: Spastic Paraplegia 4; Spastic paraplegia 4, autosomal dominant; Familial spastic paraplegia autosomal dominant 2. Identifiers: Orphanet 100985, MedGen C1866855, MONDO:0008438, OMIM 182601.

Submission:

Labcorp Genetics (formerly Invitae), Labcorp
Classification: Uncertain significance for Hereditary spastic paraplegia 4. Last evaluated: 2023-04-25. Review status: criteria provided, single submitter. Criteria: Invitae Variant Classification Sherloc (09022015). Collection method: clinical testing. Allele origin: germline.
Comment: This variant is not present in population databases (gnomAD no frequency). This sequence change falls in intron 13 of the SPAST gene. It does not directly change the encoded amino acid sequence of the SPAST protein. This variant has not been reported in the literature in individuals affected with SPAST-related conditions. In summary, the available evidence is currently insufficient to determine the role of this variant in disease. Therefore, it has been classified as a Variant of Uncertain Significance. Algorithms developed to predict the effect of sequence changes on RNA splicing suggest that this variant may disrupt the consensus splice site.